The following is an entry in ClinVar:

ClinVar aggregate classification (germline): Pathogenic/Likely pathogenic. Review status: criteria provided, multiple submitters, no conflicts (2 of 4 stars). 3 submissions from 3 submitters: Pathogenic (1); Likely pathogenic (2). Last evaluated 2026-04-05.

Conditions:
Hypothyroidism due to TSH receptor mutations. Also called: Hypothyroidism, congenital, nongoitrous, 1; HYPOTHYROIDISM DUE TO UNRESPONSIVENESS TO THYROTROPIN; HYPOTHYROIDISM, CONGENITAL, DUE TO TSH RESISTANCE; HYPOTHYROIDISM, NONAUTOIMMUNE; THYROID-STIMULATING HORMONE, RESISTANCE TO; TSH RESISTANCE. Identifiers: Orphanet 90673, MedGen C3493776, MONDO:0010142, OMIM 275200.

Allele frequency attached by ClinVar (database versions not stated): gnomAD exomes below 0.00001.

Submissions (3):

Clinical Genomics Laboratory, Washington University in St. Louis
Classification: Likely pathogenic for Hypothyroidism due to TSH receptor mutations. Last evaluated: 2026-04-05. Review status: criteria provided, single submitter. Criteria: ACMG Guidelines, 2015. Collection method: clinical testing. Allele origin: germline. Affected: yes.
Comment: The TSHR c.1835del (p.Gln612Argfs*18) variant, to our knowledge, has not been reported in the medical literature. This variant is only observed in 1/1,614,168 total alleles in the general population (gnomAD v.4.1.0), indicating it is not a common variant. This variant results in frameshift by deleting one nucleotide, leading to early termination and protein truncation. Because the variant resides in the last exon of the gene, it is not predicted to result in nonsense mediated decay; however, other variants that introduce a premature termination codon in this region have been described in affected individuals and are considered pathogenic (Gagne N et al., PMID: 9589691; Sugisawa C et al., PMID: 33108452). Based on available information and the ACMG/AMP guidelines for variant interpretation (Richards S et al., PMID: 25741868), this variant is classified as likely pathogenic.

Labcorp Genetics (formerly Invitae), Labcorp
Classification: Pathogenic. Last evaluated: 2024-02-01. Review status: criteria provided, single submitter. Criteria: Invitae Variant Classification Sherloc (09022015). Collection method: clinical testing. Allele origin: germline.
Comment: This sequence change creates a premature translational stop signal (p.Gln612Argfs*18) in the TSHR gene. While this is not anticipated to result in nonsense mediated decay, it is expected to disrupt the last 153 amino acid(s) of the TSHR protein. This variant is not present in population databases (gnomAD no frequency). This variant has not been reported in the literature in individuals affected with TSHR-related conditions. ClinVar contains an entry for this variant (Variation ID: 807155). This variant disrupts a region of the TSHR protein in which other variant(s) (p.Val711Phefs*18) have been determined to be pathogenic (PMID: 33108452). This suggests that this is a clinically significant region of the protein, and that variants that disrupt it are likely to be disease-causing. For these reasons, this variant has been classified as Pathogenic.

CeGaT Center for Human Genetics Tuebingen
Classification: Likely pathogenic. Last evaluated: 2022-02-01. Review status: criteria provided, single submitter. Criteria: CeGaT Center For Human Genetics Tuebingen Variant Classification Criteria Version 2. Collection method: clinical testing. Allele origin: germline. Affected: yes. Observed: 5 variant alleles.

Literature cited by the submitters: PubMed 33108452 (cited by Labcorp Genetics (formerly Invitae), Labcorp).

NM_000369.5(TSHR):c.1835del (p.Gln612fs)

Genes: TSHR (thyroid stimulating hormone receptor; plus strand), TSHR-AS1 (TSHR antisense RNA 1; minus strand). Cytogenetic location: 14q31.1.
Variant type: Deletion.
Coding change: c.1835del on transcript NM_000369.5 (MANE Select); coding-DNA position 1835, one base deleted (A; older notation c.1835delA).
Protein change: p.Gln612fs; shifts the reading frame from glutamine 612.
Molecular consequence: frameshift variant.
Genome position (GRCh38, 1-based): chr14:81,143,893, A deleted. VCF-style (leftmost placement, unchanged base first): chr14-81143892-CA-C. GRCh37 (hg19) VCF-style: chr14-81610236-CA-C.
Other names: short protein forms Q612fs.
Identifiers: ClinVar variation 807155 (VCV000807155.46), dbSNP rs1595179250, ClinGen allele CA915946347.